The following is an entry in ClinVar:

NM_005732.4(RAD50):c.2017C>G (p.Leu673Val)

Gene: RAD50 (RAD50 double strand break repair protein; plus strand). Cytogenetic location: 5q31.1.
Variant type: single nucleotide variant.
Coding change: c.2017C>G on transcript NM_005732.4 (MANE Select); coding-DNA position 2017, C replaced by G.
Protein change: p.Leu673Val; replaces leucine 673 with valine.
Molecular consequence: missense variant.
Genome position (GRCh38, 1-based): chr5:132,595,620, C>G. VCF-style: chr5-132595620-C-G. GRCh37 (hg19) VCF-style: chr5-131931312-C-G.
Other names: short protein forms L673V.
Identifiers: ClinVar variation 231876 (VCV000231876.14), dbSNP rs876659419, ClinGen allele CA10578549.

ClinVar aggregate classification (germline): Uncertain significance. Review status: criteria provided, multiple submitters, no conflicts (2 of 4 stars). 2 submissions from 2 submitters: Uncertain significance (2). Last evaluated 2024-11-28.

Conditions:
Hereditary cancer-predisposing syndrome. Also called: Neoplastic Syndromes, Hereditary; Tumor predisposition; Hereditary Cancer Syndrome; Hereditary neoplastic syndrome. Identifiers: Orphanet 140162, MedGen C0027672, MeSH D009386, MONDO:0015356.

Submissions (2):

Ambry Genetics
Classification: Uncertain significance for Hereditary cancer-predisposing syndrome. Last evaluated: 2024-11-28. Review status: criteria provided, single submitter. Criteria: Ambry Variant Classification Scheme 2023. Collection method: clinical testing. Allele origin: germline.
Comment: The p.L673V variant (also known as c.2017C>G), located in coding exon 13 of the RAD50 gene, results from a C to G substitution at nucleotide position 2017. The leucine at codon 673 is replaced by valine, an amino acid with highly similar properties. This variant was not reported in population based cohorts in the following databases: Database of Single Nucleotide Polymorphisms (dbSNP), NHLBI Exome Sequencing Project (ESP), and 1000 Genomes Project. In the ESP, this variant was not observed in 6503 samples (13006 alleles) with coverage at this position. To date, this alteration has been detected with an allele frequency of approximately 0.001% (greater than 175000 alleles tested) in our clinical cohort. This amino acid position is highly conserved in available vertebrate species. In addition, the in silico prediction for this alteration is inconclusive. Since supporting evidence is limited at this time, the clinical significance of this variant remains unclear.

Labcorp Genetics (formerly Invitae), Labcorp
Classification: Uncertain significance for Hereditary cancer-predisposing syndrome. Last evaluated: 2023-11-05. Review status: criteria provided, single submitter. Criteria: Invitae Variant Classification Sherloc (09022015). Collection method: clinical testing. Allele origin: germline.
Comment: This sequence change replaces leucine, which is neutral and non-polar, with valine, which is neutral and non-polar, at codon 673 of the RAD50 protein (p.Leu673Val). This variant is not present in population databases (gnomAD no frequency). This variant has not been reported in the literature in individuals affected with RAD50-related conditions. ClinVar contains an entry for this variant (Variation ID: 231876). Advanced modeling of protein sequence and biophysical properties (such as structural, functional, and spatial information, amino acid conservation, physicochemical variation, residue mobility, and thermodynamic stability) performed at Invitae indicates that this missense variant is expected to disrupt RAD50 protein function with a positive predictive value of 80%. In summary, the available evidence is currently insufficient to determine the role of this variant in disease. Therefore, it has been classified as a Variant of Uncertain Significance.